The following is an entry in ClinVar:

NM_001273.5(CHD4):c.239G>A (p.Arg80Gln)

Gene: CHD4 (chromodomain helicase DNA binding protein 4; minus strand). Cytogenetic location: 12p13.31.
Variant type: single nucleotide variant.
Coding change: c.239G>A on transcript NM_001273.5 (MANE Select); coding-DNA position 239, G replaced by A.
Protein change: p.Arg80Gln; replaces arginine 80 with glutamine.
Molecular consequence: missense variant. On other transcripts: intron variant (1).
Genome position (GRCh38, 1-based): chr12:6,602,159, C>T on the plus strand (G>A on the coding strand, the complement: CHD4 is on the minus strand). VCF-style: chr12-6602159-C-T. GRCh37 (hg19) VCF-style: chr12-6711325-C-T.
Other names: c.239G>A, p.Arg80Gln (NM_001363606.2); c.223-5G>A (NM_001297553.2); short protein forms R80Q.
Identifiers: ClinVar variation 1033397 (VCV001033397.9), dbSNP rs751585626, ClinGen allele CA6412562.

ClinVar aggregate classification (germline): Conflicting classifications of pathogenicity. Review status: criteria provided, conflicting classifications (1 of 4 stars). 3 submissions from 3 submitters: Uncertain significance (1); Likely benign (2). Last evaluated 2025-10-03.

Conditions:
Sifrim-Hitz-Weiss syndrome (SIHIWES). Also called: CHD4 Neurodevelopmental Disorder; SIFRIM-HITZ-WEISS MULTIPLE CONGENITAL ANOMALIES-MENTAL RETARDATION SYNDROME. Identifiers: Orphanet 653712, MedGen C4310688, MONDO:0014946, OMIM 617159.

Allele frequency attached by ClinVar (database versions not stated): ExAC 0.00003; TOPMed 0.00031; gnomAD 0.00047 and 0.00049.
gnomAD v4.1: 154 of 1,613,802 alleles (0.0095%); highest among the groups gnomAD compares: Admixed American, 0.18%; 2 homozygotes.

Submissions (3):

Labcorp Genetics (formerly Invitae), Labcorp
Classification: Likely benign. Last evaluated: 2025-10-03. Review status: criteria provided, single submitter. Criteria: Invitae Variant Classification Sherloc (09022015). Collection method: clinical testing. Allele origin: germline.

CeGaT Center for Human Genetics Tuebingen
Classification: Likely benign. Last evaluated: 2025-09-01. Review status: criteria provided, single submitter. Criteria: CeGaT Center For Human Genetics Tuebingen Variant Classification Criteria Version 2. Collection method: clinical testing. Allele origin: germline. Affected: yes. Observed: 1 variant allele.
Comment: CHD4: BS2

Baylor Genetics
Classification: Uncertain significance for Sifrim-Hitz-Weiss syndrome. Last evaluated: 2018-06-14. Review status: criteria provided, single submitter. Criteria: ACMG Guidelines, 2015. Collection method: clinical testing. Allele origin: paternal. Affected: yes.
Comment: This variant was determined to be of uncertain significance according to ACMG Guidelines, 2015 [PMID:25741868].